The following is an entry in ClinVar:

NM_001365276.2(TNXB):c.3128T>C (p.Ile1043Thr)

Gene: TNXB (tenascin XB; minus strand). Cytogenetic location: 6p21.33.
Variant type: single nucleotide variant.
Coding change: c.3128T>C on transcript NM_001365276.2 (MANE Select); coding-DNA position 3128, T replaced by C.
Protein change: p.Ile1043Thr; replaces isoleucine 1043 with threonine.
Molecular consequence: missense variant.
Genome position (GRCh38, 1-based): chr6:32,085,770, A>G on the plus strand (T>C on the coding strand, the complement: TNXB is on the minus strand). VCF-style: chr6-32085770-A-G. GRCh37 (hg19) VCF-style: chr6-32053547-A-G.
Other names: c.3128T>C, p.Ile1043Thr (NM_019105.8); short protein forms I1043T.
Identifiers: ClinVar variation 1727917 (VCV001727917.2), dbSNP rs2483700480, ClinGen allele CA363446694.
Genomic context (GRCh38, chr6:32,085,770, plus strand): 5'-CAATCTCAGGATATTGATCTGAGCAGAGTCCAAGATGTACCCATAATGCCTTGGTAGATG[A>G]TGGGGTCAGAGGGCTTGCCCCCAGGAGGGACCCCATGAAGTGACAGCTCATACGGGGTTC-3'
Protein context (NP_001352205.1, residues 1033-1053): VPPGGKPSDP[Ile1043Thr]IYQGIMDKDE

ClinVar aggregate classification (germline): Uncertain significance (1 of 4 stars; one submission).

Conditions:
Cardiovascular phenotype. Identifiers: MedGen CN230736.

Submission:

Ambry Genetics
Classification: Uncertain significance for Cardiovascular phenotype. Last evaluated: 2022-06-02. Review status: criteria provided, single submitter. Criteria: Ambry Variant Classification Scheme 2023. Collection method: clinical testing. Allele origin: germline.
Comment: The p.I1043T variant (also known as c.3128T>C), located in coding exon 6 of the TNXB gene, results from a T to C substitution at nucleotide position 3128. The isoleucine at codon 1043 is replaced by threonine, an amino acid with similar properties. This amino acid position is conserved. In addition, this alteration is predicted to be tolerated by in silico analysis. Since supporting evidence is limited at this time, the clinical significance of this alteration remains unclear.